The following is an entry in ClinVar:

NM_000135.4(FANCA):c.1683_1689del (p.Gly562fs)

Gene: FANCA (FA complementation group A; minus strand). Cytogenetic location: 16q24.3.
Variant type: Deletion.
Coding change: c.1683_1689del on transcript NM_000135.4 (MANE Select); coding-DNA positions 1683 to 1689, 7 bases deleted (GGGGAAC; older notation c.1683_1689delGGGGAAC).
Protein change: p.Gly562fs; shifts the reading frame from glycine 562.
Molecular consequence: frameshift variant.
Genome position (GRCh38, 1-based): chr16:89,779,895-89,779,901, GTTCCCC deleted on the plus strand (GGGGAAC on the coding strand, the reverse complement: FANCA is on the minus strand); deleting any 7 consecutive bases within chr16:89,779,895-89,779,903 gives the same sequence; the c. name uses the placement nearest the transcript's 3' end. VCF-style (leftmost placement, unchanged base first): chr16-89779894-TGTTCCCC-T. GRCh37 (hg19) VCF-style: chr16-89846302-TGTTCCCC-T.
Other names: c.1683_1689del, p.Gly562fs (NM_001286167.3); short protein forms G562fs.
Identifiers: ClinVar variation 974018 (VCV000974018.1), dbSNP rs2039643136, ClinGen allele CA1139665025.

ClinVar aggregate classification (germline): Likely pathogenic (0 of 4 stars; one submission).

Conditions:
Fanconi anemia complementation group A (FANCA). Also called: Fanconi anemia, group A; FANCA-Related Fanconi Anemia. Identifiers: Orphanet 84, MedGen C3469521, MONDO:0009215, OMIM 227650.

Submission:

Leiden Open Variation Database
Classification: Likely pathogenic for Fanconi anemia complementation group A. Last evaluated: 2020-02-28. Review status: no assertion criteria provided. Collection method: curation. Allele origin: germline. Affected: yes.
Comment: Curator: Arleen D. Auerbach. Submitter to LOVD: Arleen D. Auerbach.